The following is an entry in ClinVar:

NM_000038.6(APC):c.1313-15G>T

Gene: APC (APC regulator of Wnt signaling pathway; plus strand). Cytogenetic location: 5q22.2.
Variant type: single nucleotide variant.
Coding change: c.1313-15G>T on transcript NM_000038.6 (MANE Select); 15 bases into the intron before coding-DNA position 1313, G replaced by T.
Molecular consequence: intron variant.
Genome position (GRCh38, 1-based): chr5:112,821,881, G>T. VCF-style: chr5-112821881-G-T. GRCh37 (hg19) VCF-style: chr5-112157578-G-T.
Other names: c.1313-15G>T (NM_001354895.2, NM_001127510.3, NM_001354896.2); c.1343-15G>T (NM_001354897.2); c.1040-15G>T (NM_001354902.2); c.1259-15G>T (NM_001127511.3); c.1238-15G>T (NM_001354898.2); c.935-15G>T (NM_001354904.2); c.464-15G>T (NM_001354906.2); c.1010-15G>T (NM_001354903.2); and 3 more.
Identifiers: ClinVar variation 928340 (VCV000928340.11), dbSNP rs1763162239, ClinGen allele CA913188170.

ClinVar aggregate classification (germline): Likely benign. Review status: criteria provided, multiple submitters, no conflicts (2 of 4 stars). 3 submissions from 3 submitters: Likely benign (3). Last evaluated 2024-03-01.

Conditions:
Hereditary cancer-predisposing syndrome. Also called: Neoplastic Syndromes, Hereditary; Hereditary Cancer Syndrome; Tumor predisposition; Hereditary neoplastic syndrome. Identifiers: Orphanet 140162, MedGen C0027672, MeSH D009386, MONDO:0015356.
Familial adenomatous polyposis 1 (FAP1). Also called: FAMILIAL ADENOMATOUS POLYPOSIS 1, ATTENUATED; POLYPOSIS, ADENOMATOUS INTESTINAL. Identifiers: MedGen C2713442, MONDO:0021056, OMIM 175100. Disease mechanism: loss of function.

Submissions (3):

Myriad Genetics, Inc.
Classification: Likely benign for Familial adenomatous polyposis 1. Last evaluated: 2024-03-01. Review status: criteria provided, single submitter. Criteria: Myriad Autosomal Dominant, Autosomal Recessive and X-Linked Classification Criteria (2023). Collection method: clinical testing. Allele origin: unknown.
Comment: This variant is considered likely benign. This variant is intronic and is not expected to impact mRNA splicing.

Labcorp Genetics (formerly Invitae), Labcorp
Classification: Likely benign for Familial adenomatous polyposis 1. Last evaluated: 2021-07-21. Review status: criteria provided, single submitter. Criteria: Invitae Variant Classification Sherloc (09022015). Collection method: clinical testing. Allele origin: germline.

Color Diagnostics, LLC DBA Color Health
Classification: Likely benign for Hereditary cancer-predisposing syndrome. Last evaluated: 2019-01-03. Review status: criteria provided, single submitter. Criteria: ACMG Guidelines, 2015. Collection method: clinical testing. Allele origin: germline.